The following is an entry in ClinVar:

NM_001378964.1(CDON):c.3191G>A (p.Ser1064Asn)

Gene: CDON (cell adhesion associated, oncogene regulated; minus strand). Cytogenetic location: 11q24.2.
Variant type: single nucleotide variant.
Coding change: c.3191G>A on transcript NM_001378964.1 (MANE Select); coding-DNA position 3191, G replaced by A.
Protein change: p.Ser1064Asn; replaces serine 1064 with asparagine.
Molecular consequence: missense variant.
Genome position (GRCh38, 1-based): chr11:125,981,134, C>T on the plus strand (G>A on the coding strand, the complement: CDON is on the minus strand). VCF-style: chr11-125981134-C-T. GRCh37 (hg19) VCF-style: chr11-125851029-C-T.
Other names: c.3191G>A, p.Ser1064Asn (NM_001243597.3, NM_016952.6); short protein forms S1064N.
Identifiers: ClinVar variation 702593 (VCV000702593.16), dbSNP rs113558382, ClinGen allele CA6351487.

ClinVar aggregate classification (germline): Benign/Likely benign. Review status: criteria provided, multiple submitters, no conflicts (2 of 4 stars). 3 submissions from 3 submitters: Benign (1); Likely benign (1). 1 of the submissions does not count toward it. Last evaluated 2024-12-17.

Conditions:
CDON-related disorder. Also called: CDON-related condition.
Holoprosencephaly 11 (HPE11). Identifiers: Orphanet 2162, MedGen C3280215, MONDO:0013642, OMIM 614226.

Allele frequency attached by ClinVar (database versions not stated): ESP Exome Variant Server 0.00008; gnomAD 0.00009 and 0.00018; TOPMed 0.00013; 1000 Genomes Project 0.00140; 1000 Genomes Project 30x 0.00156.
gnomAD v4.1: 184 of 1,614,192 alleles (0.011%); highest among the groups gnomAD compares: East Asian, 0.22%; no homozygotes.

Submissions (3):

Labcorp Genetics (formerly Invitae), Labcorp
Classification: Likely benign for Holoprosencephaly 11. Last evaluated: 2024-12-17. Review status: criteria provided, single submitter. Criteria: Invitae Variant Classification Sherloc (09022015). Collection method: clinical testing. Allele origin: germline.

Illumina Laboratory Services, Illumina
Classification: Benign for Holoprosencephaly 11. Last evaluated: 2018-01-13. Review status: criteria provided, single submitter. Criteria: ICSL Variant Classification Criteria 13 December 2019. Collection method: clinical testing. Allele origin: germline.
Comment: This variant was observed in the ICSL laboratory as part of a predisposition screen in an ostensibly healthy population. It had not been previously curated by ICSL or reported in the Human Gene Mutation Database (HGMD: prior to June 1st, 2018), and was therefore a candidate for classification through an automated scoring system. Utilizing variant allele frequency, disease prevalence and penetrance estimates, and inheritance mode, an automated score was calculated to assess if this variant is too frequent to cause the disease. Based on the score and internal cut-off values, a variant classified as benign is not then subjected to further curation. The score for this variant resulted in a classification of benign for this disease.

PreventionGenetics, part of Exact Sciences
Classification: Likely benign for CDON-related condition. Last evaluated: 2021-04-06. Review status: no assertion criteria provided. Collection method: clinical testing. Allele origin: germline. Not counted in ClinVar's aggregate classification.
Comment: This variant is classified as likely benign based on ACMG/AMP sequence variant interpretation guidelines (Richards et al. 2015 PMID: 25741868, with internal and published modifications).